The following is an entry in ClinVar:

ClinVar aggregate classification (germline): Likely benign (1 of 4 stars; one submission).

Conditions:
Melanoma, cutaneous malignant, susceptibility to, 3. Also called: Cutaneous malignant melanoma 3. Identifiers: Orphanet 618, MedGen C1836892, MONDO:0012183, OMIM 609048.

Submission:

Myriad Genetics, Inc.
Classification: Likely benign for Melanoma, cutaneous malignant, susceptibility to, 3. Last evaluated: 2024-09-25. Review status: criteria provided, single submitter. Criteria: Myriad Autosomal Dominant, Autosomal Recessive and X-Linked Classification Criteria (2023). Collection method: clinical testing. Allele origin: unknown.
Comment: This variant is considered likely benign. This variant is intronic and is not expected to impact mRNA splicing.

NM_000075.4(CDK4):c.355-14C>T

Gene: CDK4 (cyclin dependent kinase 4; minus strand). Cytogenetic location: 12q14.1.
Variant type: single nucleotide variant.
Coding change: c.355-14C>T on transcript NM_000075.4 (MANE Select); 14 bases into the intron before coding-DNA position 355, C replaced by T.
Molecular consequence: intron variant.
Genome position (GRCh38, 1-based): chr12:57,751,104, G>A on the plus strand (C>T on the coding strand, the complement: CDK4 is on the minus strand). VCF-style: chr12-57751104-G-A. GRCh37 (hg19) VCF-style: chr12-58144887-G-A.
Identifiers: ClinVar variation 3379342 (VCV003379342.1).